The following is an entry in ClinVar:

ClinVar aggregate classification (germline): Uncertain significance. Review status: criteria provided, multiple submitters, no conflicts (2 of 4 stars). 2 submissions from 2 submitters: Uncertain significance (2). Last evaluated 2024-11-27.

Conditions:
Inborn genetic diseases. Identifiers: MedGen C0950123, MeSH D030342.
CREBBP-related disorder. Also called: CREBBP-related disorders; CREBBP-related condition.

Allele frequency attached by ClinVar (database versions not stated): gnomAD 0.00001; gnomAD exomes 0.00001; TOPMed below 0.00001.
gnomAD v4.1: 6 of 1,613,652 alleles (0.00037%); highest among the groups gnomAD compares: Non-Finnish European, 0.00051%; no homozygotes.

Submissions (2):

PreventionGenetics, part of Exact Sciences
Classification: Uncertain significance for CREBBP-related condition. Last evaluated: 2024-11-27. Review status: criteria provided, single submitter. Criteria: ACMG Guidelines, 2015. Collection method: clinical testing. Allele origin: germline.
Comment: The CREBBP c.1717A>G variant is predicted to result in the amino acid substitution p.Thr573Ala. To our knowledge, this variant has not been reported in the literature. This variant is reported in one allele out of ~31,400 in gnomAD. At this time, the clinical significance of this variant is uncertain due to the absence of conclusive functional and genetic evidence.

Ambry Genetics
Classification: Uncertain significance for Inborn genetic diseases. Last evaluated: 2022-09-06. Review status: criteria provided, single submitter. Criteria: Ambry Variant Classification Scheme 2023. Collection method: clinical testing. Allele origin: germline.

NM_004380.3(CREBBP):c.1717A>G (p.Thr573Ala)

Genes: CREBBP (CREB binding lysine acetyltransferase; minus strand), LOC130058353 (ATAC-STARR-seq lymphoblastoid active region 10333; plus strand). Cytogenetic location: 16p13.3.
Variant type: single nucleotide variant.
Coding change: c.1717A>G on transcript NM_004380.3 (MANE Select); coding-DNA position 1717, A replaced by G.
Protein change: p.Thr573Ala; replaces threonine 573 with alanine.
Molecular consequence: missense variant.
Genome position (GRCh38, 1-based): chr16:3,780,838, T>C on the plus strand (A>G on the coding strand, the complement: CREBBP is on the minus strand). VCF-style: chr16-3780838-T-C. GRCh37 (hg19) VCF-style: chr16-3830839-T-C.
Other names: c.1603A>G, p.Thr535Ala (NM_001079846.1); short protein forms T535A, T573A.
Identifiers: ClinVar variation 2310340 (VCV002310340.3), dbSNP rs889344118, ClinGen allele CA276975764.